The following is an entry in ClinVar:

NM_016955.4(SEPSECS):c.890_892delinsCC (p.Gly297fs)

Gene: SEPSECS (Sep (O-phosphoserine) tRNA:Sec (selenocysteine) tRNA synthase; minus strand). Cytogenetic location: 4p15.2.
Variant type: Indel.
Coding change: c.890_892delinsCC on transcript NM_016955.4 (MANE Select); coding-DNA positions 890 to 892, GCT replaced by CC.
Protein change: p.Gly297fs; shifts the reading frame from glycine 297.
Molecular consequence: frameshift variant.
Genome position (GRCh38, 1-based): chr4:25,145,046-25,145,048, AGC replaced by GG on the plus strand (GCT replaced by CC on the coding strand, the reverse complement: SEPSECS is on the minus strand). VCF-style: chr4-25145046-AGC-GG. GRCh37 (hg19) VCF-style: chr4-25146668-AGC-GG.
Other names: c.1145_1147delinsCC, p.Gly382fs (NM_001410714.1); short protein forms G297fs, G382fs.
Identifiers: ClinVar variation 4815895 (VCV004815895.1).

ClinVar aggregate classification (germline): Likely pathogenic (1 of 4 stars; one submission).

Conditions:
Pontocerebellar hypoplasia type 2D (PCH2D). Also called: Progressive cerebello-cerebral atrophy. Identifiers: Orphanet 247198, Orphanet 2524, MedGen C3151140, MONDO:0013438, OMIM 613811.

Submission:

Natera, Inc.
Classification: Likely pathogenic for Pontocerebellar hypoplasia type 2d. Last evaluated: 2025-02-16. Review status: criteria provided, single submitter. Criteria: Natera Variant Classification Schema (03/2026). Collection method: clinical testing. Allele origin: germline.
Comment: The c.890_892delinsCC variant in SEPSECS is a frameshift variant predicted to shift the reading frame beginning at codon 297 and leads to a stop codon 24 codons downstream. This variant is expected to result in nonsense mediated decay, truncation, or a dysfunctional protein product. This variant is rare in the general population with a frequency below the threshold expected for the associated phenotype(s). Given the available evidence, this variant is classified as Likely Pathogenic.